The following is an entry in ClinVar:

NM_021813.4(BACH2):c.1196A>G (p.Gln399Arg)

Gene: BACH2 (BACH transcriptional regulator 2; minus strand). Cytogenetic location: 6q15.
Variant type: single nucleotide variant.
Coding change: c.1196A>G on transcript NM_021813.4 (MANE Select); coding-DNA position 1196, A replaced by G.
Protein change: p.Gln399Arg; replaces glutamine 399 with arginine.
Molecular consequence: missense variant.
Genome position (GRCh38, 1-based): chr6:89,950,910, T>C on the plus strand (A>G on the coding strand, the complement: BACH2 is on the minus strand). VCF-style: chr6-89950910-T-C. GRCh37 (hg19) VCF-style: chr6-90660629-T-C.
Other names: c.1196A>G, p.Gln399Arg (NM_001170794.2); short protein forms Q399R.
Identifiers: ClinVar variation 5008353 (VCV005008353.1).
Genomic context (GRCh38, chr6:89,950,910, plus strand): 5'-AGAGCCTCCAACCCAGGCCCCCTGAGGGGCGACCCCATGGTGAAGTTGGACACCTCCTTC[T>C]GGCCCACGTGGGGCTGTCCATAATTCCCTGTGAAAGGGGTGTAGTCAGTTTTAAGGTCAC-3'
Protein context (NP_068585.1, residues 389-409): TGNYGQPHVG[Gln399Arg]KEVSNFTMGS

ClinVar aggregate classification (germline): Uncertain significance (1 of 4 stars; one submission).

Submission:

GeneDx
Classification: Uncertain significance. Last evaluated: 2026-02-20. Review status: criteria provided, single submitter. Criteria: GeneDx Variant Classification Process June 2021. Collection method: clinical testing. Allele origin: germline.
Comment: Not observed at significant frequency in large population cohorts (gnomAD); In silico analysis suggests that this missense variant does not alter protein structure/function; Has not been previously published as pathogenic or benign to our knowledge; Variants in candidate genes are classified as variants of uncertain significance in accordance with ACMG guidelines (PMID: 25741868)